The following is an entry in ClinVar:

ClinVar aggregate classification (germline): Uncertain significance (1 of 4 stars; one submission).

Conditions:
Pheochromocytoma. Also called: MAX-Related Hereditary Paraganglioma-Pheochromocytoma Syndrome. Identifiers: Orphanet 29072, MedGen C0031511, MONDO:0008233, OMIM 171300, HP:0002666.
Gastrointestinal stromal tumor. Also called: Gastrointestinal stromal tumor, somatic; Gastrointestinal stroma tumor. Identifiers: Orphanet 44890, MedGen C0238198, MeSH D046152, MONDO:0011719, OMIM 606764, HP:0100723.
Pheochromocytoma/paraganglioma syndrome 4. Also called: CAROTID BODY TUMORS AND MULTIPLE EXTRAADRENAL PHEOCHROMOCYTOMAS; SDHB-Related Hereditary Paraganglioma-Pheochromocytoma Syndrome (Paragangliomas 4); Paragangliomas 4; SDHB-Related Hereditary Paraganglioma-Pheochromocytoma Syndrome; PARAGANGLIOMA, FAMILIAL MALIGNANT; PARAGANGLIOMAS, HEREDITARY EXTRAADRENAL. Identifiers: Orphanet 29072, MedGen C1861848, MONDO:0007273, OMIM 115310.

Submission:

Labcorp Genetics (formerly Invitae), Labcorp
Classification: Uncertain significance for Gastrointestinal stromal tumor; Pheochromocytoma/paraganglioma syndrome 4; Pheochromocytoma. Last evaluated: 2020-02-03. Review status: criteria provided, single submitter. Criteria: Invitae Variant Classification Sherloc (09022015). Collection method: clinical testing. Allele origin: germline.
Comment: In summary, the available evidence is currently insufficient to determine the role of this variant in disease. Therefore, it has been classified as a Variant of Uncertain Significance. Algorithms developed to predict the effect of missense changes on protein structure and function are either unavailable or do not agree on the potential impact of this missense change (SIFT: "Deleterious"; PolyPhen-2: "Benign"; Align-GVGD: "Class C0"). This variant has not been reported in the literature in individuals with SDHB-related conditions. This variant is not present in population databases (ExAC no frequency). This sequence change replaces alanine with glutamic acid at codon 3 of the SDHB protein (p.Ala3Glu). The alanine residue is highly conserved and there is a moderate physicochemical difference between alanine and glutamic acid.

NM_003000.3(SDHB):c.8C>A (p.Ala3Glu)

Gene: SDHB (succinate dehydrogenase complex iron sulfur subunit B; minus strand). Cytogenetic location: 1p36.13.
Variant type: single nucleotide variant.
Coding change: c.8C>A on transcript NM_003000.3 (MANE Select); coding-DNA position 8, C replaced by A.
Protein change: p.Ala3Glu; replaces alanine 3 with glutamic acid.
Molecular consequence: missense variant.
Genome position (GRCh38, 1-based): chr1:17,054,012, G>T on the plus strand (C>A on the coding strand, the complement: SDHB is on the minus strand). VCF-style: chr1-17054012-G-T. GRCh37 (hg19) VCF-style: chr1-17380507-G-T.
Other names: short protein forms A3E.
Identifiers: ClinVar variation 1044970 (VCV001044970.5), dbSNP rs11203289, ClinGen allele CA338230876.